The following is an entry in ClinVar:

ClinVar aggregate classification (germline): Uncertain significance (1 of 4 stars; one submission).

Conditions:
Hereditary cancer-predisposing syndrome. Also called: Neoplastic Syndromes, Hereditary; Tumor predisposition; Hereditary neoplastic syndrome; Hereditary Cancer Syndrome. Identifiers: Orphanet 140162, MedGen C0027672, MeSH D009386, MONDO:0015356.

gnomAD v4.1: 2 of 1,592,260 alleles (0.00013%); highest among the groups gnomAD compares: Non-Finnish European, 0.00017%; no homozygotes.

Submission:

Ambry Genetics
Classification: Uncertain significance for Hereditary cancer-predisposing syndrome. Last evaluated: 2024-04-19. Review status: criteria provided, single submitter. Criteria: Ambry Variant Classification Scheme 2023. Collection method: clinical testing. Allele origin: germline.
Comment: The c.1792+3A>G intronic variant results from an A to G substitution 3 nucleotides after coding exon 14 in the POT1 gene. This nucleotide position is well conserved in available vertebrate species. In silico splice site analysis predicts that this alteration will not have any significant effect on splicing. Based on the available evidence, the clinical significance of this variant remains unclear.

NM_015450.3(POT1):c.1792+3A>G

Gene: POT1 (protection of telomeres 1; minus strand). Cytogenetic location: 7q31.33.
Variant type: single nucleotide variant.
Coding change: c.1792+3A>G on transcript NM_015450.3 (MANE Select); 3 bases into the intron after coding-DNA position 1792, A replaced by G.
Molecular consequence: intron variant.
Genome position (GRCh38, 1-based): chr7:124,825,249, T>C on the plus strand (A>G on the coding strand, the complement: POT1 is on the minus strand). VCF-style: chr7-124825249-T-C. GRCh37 (hg19) VCF-style: chr7-124465303-T-C.
Other names: c.1399+3A>G (NM_001042594.2).
Identifiers: ClinVar variation 3308960 (VCV003308960.1).